The following is an entry in ClinVar:

ClinVar aggregate classification (germline): Pathogenic/Likely pathogenic. Review status: criteria provided, multiple submitters, no conflicts (2 of 4 stars). 4 submissions from 4 submitters: Pathogenic (3); Likely pathogenic (1). Last evaluated 2025-12-31.

Conditions:
Branchiooculofacial syndrome (BOFS). Also called: HEMANGIOMATOUS BRANCHIAL CLEFTS-LIP PSEUDOCLEFT SYNDROME; LIP PSEUDOCLEFT-HEMANGIOMATOUS BRANCHIAL CYST SYNDROME; BOF SYNDROME; Branchio-Oculo-Facial Syndrome. Identifiers: Orphanet 1297, MedGen C0376524, MeSH D019280, MONDO:0007235, OMIM 113620.
TFAP2A-related disorder. Also called: TFAP2A-related condition.

Submissions (4):

Dasa
Classification: Likely pathogenic for Branchiooculofacial syndrome. Last evaluated: 2025-12-31. Review status: criteria provided, single submitter. Criteria: DASA Assertion Criteria. Collection method: clinical testing. Allele origin: germline.
Comment: NM_001372066.1(TFAP2A):c.752T>C (p.Leu251Pro) is a missense variant that results in the substitution of leucine with proline. This variant has been recurrently observed in individuals with TFAP2A-related disorders (PMID: 23578821; PMID: 21204207; PMID: 19764023). This variant has been reported as a de novo occurrence in an affected individual (PMID: 21204207). Functional evidence supports an impact on the gene or gene product (PMID: 23578821; PMID: 21204207; PMID: 19764023). Also, this variant is absent from population databases. Computational evidence supports a deleterious effect. Based on the currently available evidence, this variant is classified as likely pathogenic.

GeneDx
Classification: Pathogenic. Last evaluated: 2024-11-27. Review status: criteria provided, single submitter. Criteria: GeneDx Variant Classification Process June 2021. Collection method: clinical testing. Allele origin: germline. Affected: yes.
Comment: Published functional studies demonstrate altered DNA binding and transcriptional activity of wild-type protein in a dominant negative manner (PMID: 23578821); Not observed at significant frequency in large population cohorts (gnomAD); In silico analysis supports that this missense variant has a deleterious effect on protein structure/function; This variant is associated with the following publications: (PMID: 18423521, 19764023, 21204207, 23578821)

Blueprint Genetics
Classification: Pathogenic for TFAP2A-related disorders. Last evaluated: 2021-12-31. Review status: criteria provided, single submitter. Criteria: ACMG Guidelines, 2015. Collection method: clinical testing. Allele origin: germline. Affected: yes. Observed: 1 variant allele.

Institute of Human Genetics Munich, TUM University Hospital
Classification: Pathogenic for Branchiooculofacial syndrome. Last evaluated: 2020-01-17. Review status: criteria provided, single submitter. Criteria: Classification criteria August 2017. Collection method: clinical testing. Allele origin: de novo. Inheritance: Autosomal dominant inheritance. Affected: yes. Observed: 1 heterozygote.

Literature cited by the submitters: PubMed 23578821 (cited by Dasa); PubMed 21204207 (cited by Dasa); PubMed 19764023 (cited by Dasa).

NM_001372066.1(TFAP2A):c.752T>C (p.Leu251Pro)

Genes: TFAP2A (transcription factor AP-2 alpha; minus strand), TFAP2A-AS2 (TFAP2A antisense RNA 2; plus strand), LOC121740638 (BRD4-independent group 4 enhancer GRCh37_chr6:10403277-10404476; plus strand). Cytogenetic location: 6p24.3.
Variant type: single nucleotide variant.
Coding change: c.752T>C on transcript NM_001372066.1 (MANE Select); coding-DNA position 752, T replaced by C.
Protein change: p.Leu251Pro; replaces leucine 251 with proline.
Molecular consequence: missense variant. On other transcripts: non-coding transcript variant (1).
Genome position (GRCh38, 1-based): chr6:10,404,526, A>G on the plus strand (T>C on the coding strand, the complement: TFAP2A is on the minus strand). VCF-style: chr6-10404526-A-G. GRCh37 (hg19) VCF-style: chr6-10404759-A-G.
Other names: c.728T>C, p.Leu243Pro (NM_001032280.3); c.734T>C, p.Leu245Pro (NM_001042425.3); short protein forms L243P, L245P, L251P.
Identifiers: ClinVar variation 807514 (VCV000807514.7), dbSNP rs1581262652, ClinGen allele CA362701169.